The following is an entry in ClinVar:

NM_001375567.1(FOCAD):c.2807+3A>T

Gene: FOCAD (focadhesin; plus strand). Cytogenetic location: 9p21.3.
Variant type: single nucleotide variant.
Coding change: c.2807+3A>T on transcript NM_001375567.1 (MANE Select); 3 bases into the intron after coding-DNA position 2807, A replaced by T.
Molecular consequence: intron variant.
Genome position (GRCh38, 1-based): chr9:20,912,957, A>T. VCF-style: chr9-20912957-A-T. GRCh37 (hg19) VCF-style: chr9-20912956-A-T.
Other names: c.2807+3A>T (NM_017794.5); c.2702+3A>T (NM_001375568.1, NM_001375570.1).
Identifiers: ClinVar variation 4799290 (VCV004799290.1).

ClinVar aggregate classification (germline): Uncertain significance (1 of 4 stars; one submission).

gnomAD v4.1: 5 of 1,611,220 alleles (0.00031%); highest among the groups gnomAD compares: Non-Finnish European, 0.00042%; no homozygotes.

Submission:

Labcorp Genetics (formerly Invitae), Labcorp
Classification: Uncertain significance. Last evaluated: 2025-05-07. Review status: criteria provided, single submitter. Criteria: Invitae Variant Classification Sherloc (09022015). Collection method: clinical testing. Allele origin: germline.
Comment: This sequence change falls in intron 25 of the FOCAD gene. It does not directly change the encoded amino acid sequence of the FOCAD protein. It affects a nucleotide within the consensus splice site. This variant is present in population databases (no rsID available, gnomAD 0.002%). This variant has not been reported in the literature in individuals affected with FOCAD-related conditions. Variants that disrupt the consensus splice site are a relatively common cause of aberrant splicing (PMID: 17576681, 9536098). Algorithms developed to predict the effect of sequence changes on RNA splicing suggest that this variant is not likely to affect RNA splicing. In summary, the available evidence is currently insufficient to determine the role of this variant in disease. Therefore, it has been classified as a Variant of Uncertain Significance.

Literature cited by the submitters: PubMed 17576681; PubMed 9536098.